The following is an entry in ClinVar:

NM_020975.6(RET):c.1264-15C>T

Gene: RET (ret proto-oncogene; plus strand). Cytogenetic location: 10q11.21.
Variant type: single nucleotide variant.
Coding change: c.1264-15C>T on transcript NM_020975.6 (MANE Select); 15 bases into the intron before coding-DNA position 1264, C replaced by T.
Molecular consequence: intron variant.
Genome position (GRCh38, 1-based): chr10:43,111,192, C>T. VCF-style: chr10-43111192-C-T. GRCh37 (hg19) VCF-style: chr10-43606640-C-T.
Other names: c.1264-15C>T (NM_020630.7, NM_001406743.1, NM_001406744.1 and 4 more transcripts); c.868-15C>T (NM_001406772.1, NM_001406769.1); c.826-15C>T (NM_001406773.1, NM_001406771.1); c.626-907C>T (NM_001406782.1, NM_001406780.1, NM_001406779.1 and 3 more transcripts); c.1135-15C>T (NM_001406764.1, NM_001406762.1, NM_001406761.1 and 1 more transcripts); c.739-15C>T (NM_001406774.1); c.497-907C>T (NM_001406786.1, NM_001406783.1); c.976-15C>T (NM_001406770.1, NM_001406766.1, NM_001406767.1); and 5 more.
Identifiers: ClinVar variation 1623325 (VCV001623325.10), dbSNP rs781151199, ClinGen allele CA032486.

ClinVar aggregate classification (germline): Likely benign. Review status: criteria provided, multiple submitters, no conflicts (2 of 4 stars). 2 submissions from 2 submitters: Likely benign (2). Last evaluated 2026-01-20.

Conditions:
Multiple endocrine neoplasia, type 2 (MEN2). Identifiers: Orphanet 653, MedGen C4048306, MONDO:0019003. Disease mechanism: gain of function.

Allele frequency attached by ClinVar (database versions not stated): gnomAD exomes below 0.00001 and 0.00001; ExAC 0.00002.
gnomAD v4.1: 9 of 1,613,478 alleles (0.00056%); highest among the groups gnomAD compares: South Asian, 0.0011%; no homozygotes.

Submissions (2):

Labcorp Genetics (formerly Invitae), Labcorp
Classification: Likely benign for Multiple endocrine neoplasia, type 2. Last evaluated: 2026-01-20. Review status: criteria provided, single submitter. Criteria: Invitae Variant Classification Sherloc (09022015). Collection method: clinical testing. Allele origin: germline.

All of Us Research Program, National Institutes of Health
Classification: Likely benign for Multiple endocrine neoplasia, type 2. Last evaluated: 2023-09-17. Review status: criteria provided, single submitter. Criteria: ACMG Guidelines, 2015. Collection method: clinical testing. Allele origin: germline. Inheritance: Autosomal dominant inheritance. Observed: 2 variant alleles, 2 heterozygotes.
Comment: This study involves interpretation of variants in research participants for the purpose of population health screening. Participant phenotype was not available at the time of variant classification. Additional details can be found in publication PMID: 35346344, PMCID: PMC8962531